The following is an entry in ClinVar:

NM_001114753.3(ENG):c.1541G>T (p.Gly514Val)

Genes: ENG (endoglin; minus strand), LOC102723566 (uncharacterized LOC102723566; plus strand). Cytogenetic location: 9q34.11.
Variant type: single nucleotide variant.
Coding change: c.1541G>T on transcript NM_001114753.3 (MANE Select); coding-DNA position 1541, G replaced by T.
Protein change: p.Gly514Val; replaces glycine 514 with valine.
Molecular consequence: missense variant.
Genome position (GRCh38, 1-based): chr9:127,818,265, C>A on the plus strand (G>T on the coding strand, the complement: ENG is on the minus strand). VCF-style: chr9-127818265-C-A. GRCh37 (hg19) VCF-style: chr9-130580544-C-A.
Other names: c.1541G>T, p.Gly514Val (NM_000118.4); c.995G>T, p.Gly332Val (NM_001278138.2); short protein forms G332V, G514V.
Identifiers: ClinVar variation 4072691 (VCV004072691.2).
Genomic context (GRCh38, chr9:127,818,265, plus strand): 5'-AGGAGGAAGCTGAAGCGCGGGTCACCCTCGGGGCTTGGGGACAGCAGGCTCACACAGTTG[C>A]CCTTGGCCGCCCGGCCCTGGATGAGTTCCACGGTGCCTCCCTCAGGCCCCAAGTCCAGGT-3'
Protein context (NP_001108225.1, residues 504-524): VELIQGRAAK[Gly514Val]NCVSLLSPSP

ClinVar aggregate classification (germline): Uncertain significance. Review status: criteria provided, multiple submitters, no conflicts (2 of 4 stars). 2 submissions from 2 submitters: Uncertain significance (2). Last evaluated 2026-01-28.

Submissions (2):

Women's Health and Genetics/Laboratory Corporation of America, LabCorp
Classification: Uncertain significance. Last evaluated: 2026-01-28. Review status: criteria provided, single submitter. Criteria: LabCorp Variant Classification Summary - May 2015. Collection method: clinical testing. Allele origin: germline.
Comment: Variant summary: ENG c.1541G>T (p.Gly514Val) results in a non-conservative amino acid change in the encoded protein sequence. Algorithms developed to predict the effect of missense changes on protein structure and function are either unavailable or do not agree on the potential impact of this missense change. The variant was absent in 251022 control chromosomes. The available data on variant occurrences in the general population are insufficient to allow any conclusion about variant significance. To our knowledge, no occurrence of c.1541G>T in individuals affected with ENG-related conditions and no experimental evidence demonstrating its impact on protein function have been reported. No submitters have cited clinical-significance assessments for this variant to ClinVar. Based on the evidence outlined above, the variant was classified as uncertain significance.

GeneDx
Classification: Uncertain significance. Last evaluated: 2025-02-03. Review status: criteria provided, single submitter. Criteria: GeneDx Variant Classification Process June 2021. Collection method: clinical testing. Allele origin: germline. Affected: yes.
Comment: Not observed at significant frequency in large population cohorts (gnomAD); In silico analysis supports that this missense variant has a deleterious effect on protein structure/function; Has not been previously published as pathogenic or benign to our knowledge